The following is an entry in ClinVar:

ClinVar aggregate classification (germline): Uncertain significance. Review status: criteria provided, multiple submitters, no conflicts (2 of 4 stars). 3 submissions from 3 submitters: Uncertain significance (3). Last evaluated 2025-11-08.

Conditions:
Inborn genetic diseases. Identifiers: MedGen C0950123, MeSH D030342.
Donnai-Barrow syndrome. Also called: DBS/FOAR SYNDROME; FACIOOCULOACOUSTICORENAL SYNDROME. Identifiers: Orphanet 2143, MedGen C1857277, MONDO:0009104, OMIM 222448.

Allele frequency attached by ClinVar (database versions not stated): gnomAD exomes below 0.00001; TOPMed 0.00001; ExAC 0.00002.
gnomAD v4.1: 9 of 1,613,710 alleles (0.00056%); highest among the groups gnomAD compares: Admixed American, 0.0017%; no homozygotes.

Submissions (3):

Ambry Genetics
Classification: Uncertain significance for Inborn genetic diseases. Last evaluated: 2025-11-08. Review status: criteria provided, single submitter. Criteria: Ambry Variant Classification Scheme 2023. Collection method: clinical testing. Allele origin: germline.

Fulgent Genetics
Classification: Uncertain significance for Donnai-Barrow syndrome. Last evaluated: 2024-04-16. Review status: criteria provided, single submitter. Criteria: ACMG Guidelines, 2015. Collection method: clinical testing. Allele origin: germline.

Labcorp Genetics (formerly Invitae), Labcorp
Classification: Uncertain significance. Last evaluated: 2021-10-27. Review status: criteria provided, single submitter. Criteria: Invitae Variant Classification Sherloc (09022015). Collection method: clinical testing. Allele origin: germline.
Comment: This sequence change replaces valine, a(n) neutral and non-polar amino acid, with methionine, a(n) neutral and non-polar amino acid, at codon 624 of the LRP2 protein (p.Val624Met). This variant is present in population databases (rs777288693, gnomAD 0.006%). This variant has not been reported in the literature in individuals affected with LRP2-related conditions. Advanced modeling of protein sequence and biophysical properties (such as structural, functional, and spatial information, amino acid conservation, physicochemical variation, residue mobility, and thermodynamic stability) performed at Invitae indicates that this missense variant is expected to disrupt LRP2 protein function. In summary, the available evidence is currently insufficient to determine the role of this variant in disease. Therefore, it has been classified as a Variant of Uncertain Significance.

NM_004525.3(LRP2):c.1870G>A (p.Val624Met)

Gene: LRP2 (LDL receptor related protein 2; minus strand). Cytogenetic location: 2q31.1.
Variant type: single nucleotide variant.
Coding change: c.1870G>A on transcript NM_004525.3 (MANE Select); coding-DNA position 1870, G replaced by A.
Protein change: p.Val624Met; replaces valine 624 with methionine.
Molecular consequence: missense variant.
Genome position (GRCh38, 1-based): chr2:169,275,141, C>T on the plus strand (G>A on the coding strand, the complement: LRP2 is on the minus strand). VCF-style: chr2-169275141-C-T. GRCh37 (hg19) VCF-style: chr2-170131651-C-T.
Other names: c.1870G>A (NM_004525.2); short protein forms V624M.
Identifiers: ClinVar variation 1354964 (VCV001354964.6), dbSNP rs777288693, ClinGen allele CA1955450.
Genomic context (GRCh38, chr2:169,275,141, plus strand): 5'-TCAGGGAAGCCTGGTAGTACACTTGTGGGTTGGTCTCTGTGAACTTGTTTGCCTTCAGCA[C>T]GGCCATCTTTGTCCAATCTGTAAAGAACACCTGACCTTCAAATAAGCTTACTCCAAAGGG-3'
Protein context (NP_004516.2, residues 614-634): VFFTDWTKMA[Val624Met]LKANKFTETN